The following is an entry in ClinVar:

ClinVar aggregate classification (germline): Conflicting classifications of pathogenicity. Review status: criteria provided, conflicting classifications (1 of 4 stars). 3 submissions from 3 submitters: Uncertain significance (2); Likely benign (1). Last evaluated 2025-12-01.

Conditions:
Familial meningioma. Also called: Meningioma, familial, susceptibility to. Identifiers: Orphanet 263662, MedGen C3551915, MONDO:0011789, OMIM 607174.
Gorlin syndrome. Also called: Basal cell nevus syndrome; Nevoid Basal Cell Carcinoma Syndrome. Identifiers: Orphanet 377, MedGen C0004779, MONDO:0007187.
Medulloblastoma (MDB). Also called: Medulloblastoma, somatic; MEDULLOBLASTOMA PREDISPOSITION SYNDROME. Identifiers: Orphanet 616, MedGen C0025149, MeSH D008527, MONDO:0007959, OMIM 155255, HP:0002885.
Hereditary cancer-predisposing syndrome. Also called: Hereditary Cancer Syndrome; Tumor predisposition; Neoplastic Syndromes, Hereditary; Hereditary neoplastic syndrome. Identifiers: Orphanet 140162, MedGen C0027672, MeSH D009386, MONDO:0015356.

Allele frequency attached by ClinVar (database versions not stated): gnomAD exomes below 0.00001; ExAC 0.00001; TOPMed 0.00001; gnomAD 0.00003; ESP Exome Variant Server 0.00008.

Submissions (3):

Labcorp Genetics (formerly Invitae), Labcorp
Classification: Uncertain significance for Gorlin syndrome; Medulloblastoma. Last evaluated: 2025-12-01. Review status: criteria provided, single submitter. Criteria: Invitae Variant Classification Sherloc (09022015). Collection method: clinical testing. Allele origin: germline.
Comment: This sequence change replaces arginine, which is basic and polar, with glutamine, which is neutral and polar, at codon 299 of the SUFU protein (p.Arg299Gln). This variant is present in population databases (rs374946819, gnomAD 0.008%). This variant has not been reported in the literature in individuals affected with SUFU-related conditions. ClinVar contains an entry for this variant (Variation ID: 648117). Invitae Evidence Modeling of protein sequence and biophysical properties (such as structural, functional, and spatial information, amino acid conservation, physicochemical variation, residue mobility, and thermodynamic stability) indicates that this missense variant is not expected to disrupt SUFU protein function with a negative predictive value of 80%. In summary, the available evidence is currently insufficient to determine the role of this variant in disease. Therefore, it has been classified as a Variant of Uncertain Significance.

Baylor Genetics
Classification: Uncertain significance for Familial meningioma. Last evaluated: 2024-01-26. Review status: criteria provided, single submitter. Criteria: ACMG Guidelines, 2015. Collection method: clinical testing. Allele origin: unknown.

Ambry Genetics
Classification: Likely benign for Hereditary cancer-predisposing syndrome. Last evaluated: 2024-01-08. Review status: criteria provided, single submitter. Criteria: Ambry Variant Classification Scheme 2023. Collection method: clinical testing. Allele origin: germline.

NM_016169.4(SUFU):c.896G>A (p.Arg299Gln)

Gene: SUFU (SUFU negative regulator of hedgehog signaling; plus strand). Cytogenetic location: 10q24.32.
Variant type: single nucleotide variant.
Coding change: c.896G>A on transcript NM_016169.4 (MANE Select); coding-DNA position 896, G replaced by A.
Protein change: p.Arg299Gln; replaces arginine 299 with glutamine.
Molecular consequence: missense variant.
Genome position (GRCh38, 1-based): chr10:102,597,279, G>A. VCF-style: chr10-102597279-G-A. GRCh37 (hg19) VCF-style: chr10-104357036-G-A.
Other names: c.896G>A, p.Arg299Gln (NM_001178133.2); short protein forms R299Q.
Identifiers: ClinVar variation 648117 (VCV000648117.16), dbSNP rs374946819, ClinGen allele CA5667800.